The following is an entry in ClinVar:

ClinVar aggregate classification (germline): Pathogenic (1 of 4 stars; one submission).

Conditions:
4p partial monosomy syndrome (WHS). Also called: Wolf-Hirschhorn syndrome; PITT SYNDROME; CHROMOSOME 4p16.3 DELETION SYNDROME; WITTWER SYNDROME. Identifiers: Orphanet 280, MedGen C1956097, MONDO:0008684, OMIM 194190.

Submission:

Baylor Genetics
Classification: Pathogenic for 4p partial monosomy syndrome. Last evaluated: 2020-03-09. Review status: criteria provided, single submitter. Criteria: ACMG Guidelines, 2015. Collection method: clinical testing. Allele origin: unknown. Affected: yes.
Comment: This variant was determined to be pathogenic according to ACMG Guidelines, 2015 [PMID:25741868].

NM_001042424.3(NSD2):c.2887C>T (p.Gln963Ter)

Gene: NSD2 (nuclear receptor binding SET domain protein 2; plus strand). Cytogenetic location: 4p16.3.
Variant type: single nucleotide variant.
Coding change: c.2887C>T on transcript NM_001042424.3 (MANE Select); coding-DNA position 2887, C replaced by T.
Protein change: p.Gln963Ter; replaces glutamine 963 with a stop codon.
Molecular consequence: nonsense.
Genome position (GRCh38, 1-based): chr4:1,957,938, C>T. VCF-style: chr4-1957938-C-T. GRCh37 (hg19) VCF-style: chr4-1959665-C-T.
Other names: c.2887C>T, p.Gln963Ter (NM_133330.3, NM_133331.3, NM_133335.4); short protein forms Q963*.
Identifiers: ClinVar variation 1029069 (VCV001029069.1), dbSNP rs1725000714, ClinGen allele CA355993223.
Genomic context (GRCh38, chr4:1,957,938, plus strand): 5'-AAGGTAGTTACCTGTATTTACTAAAATCTTTACTCCTATTTCATTGACTTTTTAGCACTG[C>T]AAGAAGCTGAAGCTCGTTTTCGTGAAATTAAGCTTCAGAGGGAAGCCCGAGAAACACAGG-3'